The following is an entry in ClinVar:

NM_000330.4(RS1):c.532G>A (p.Gly178Ser)

Genes: CDKL5 (cyclin dependent kinase like 5; plus strand), RS1 (retinoschisin 1; minus strand). Cytogenetic location: Xp22.13.
Variant type: single nucleotide variant.
Coding change: c.532G>A on transcript NM_000330.4 (MANE Select); coding-DNA position 532, G replaced by A.
Protein change: p.Gly178Ser; replaces glycine 178 with serine.
Molecular consequence: missense variant. On other transcripts: intron variant (2).
Genome position (GRCh38, 1-based): chrX:18,642,147, C>T on the plus strand (G>A on the coding strand, the complement: RS1 is on the minus strand). VCF-style: chrX-18642147-C-T. GRCh37 (hg19) VCF-style: chrX-18660267-C-T.
Other names: NM_003159.3:c.2714-3860C>T; c.2714-3860C>T (NM_003159.3, NM_001037343.2); short protein forms G178S.
Identifiers: ClinVar variation 4279579 (VCV004279579.1).

ClinVar aggregate classification (germline): Uncertain significance (3 of 4 stars; one submission).

Conditions:
Juvenile retinoschisis (RS1). Also called: X-linked retinoschisis; X-Linked Juvenile Retinoschisis. Identifiers: Orphanet 792, MedGen C3714753, MONDO:0010725, OMIM 312700.

Submission:

ClinGen X-linked Inherited Retinal Disease Variant Curation Expert Panel, ClinGen
Classification: Uncertain significance for Juvenile retinoschisis. Last evaluated: 2025-09-18. Review status: reviewed by expert panel. Criteria: ClinGen X LinkedIRD ACMG Specifications RS1 V1.0.0. Collection method: curation. Allele origin: germline. Inheritance: X-linked inheritance.
Comment: NM_000330.4(RS1):c.532G>A (p.Gly178Ser) is a missense variant encoding the substitution of glycine with serine at amino acid 178. Another missense variant in the same codon, NM_000330.4(RS1):c.533G>A (p.Gly178Asp), (PMID: 31087526, 12928282, 31149861, 11738458, 9618178) has been classified as pathogenic for X-linked retinoschisis by the ClinGen X-linked IRD VCEP, while no benign missense variants have been identified in this codon. However, the present variant has a lower Grantham’s distance (56) than the comparison variant (94), so PM5 cannot be met. This variant is absent from hemizygous individuals in gnomAD v4.1.0 (PM2_Supporting). The computational predictor REVEL gives a score of 0.981, which is above the ClinGen X-linked IRD VCEP threshold of >0.932 and predicts a damaging effect on RS1 function (PP3_Strong). The computational splicing predictor SpliceAI gives a delta score of 0.02 for Acceptor gain, which is below the ClinGen X-linked IRD VCEP threshold of >0.2 and does not predict that the variant disrupts RS1 splicing. In summary, this variant is classified as a variant of uncertain significance for X-linked retinoschisis based on the ClinGen X-linked Inherited Retinal Disease Expert Panel Specifications to the ACMG/AMP Variant Interpretation Guidelines for RS1 Version 1.0.0: PM2_Supporting and PP3_Strong.